The following is an entry in ClinVar:

ClinVar aggregate classification (germline): Uncertain significance. Review status: criteria provided, multiple submitters, no conflicts (2 of 4 stars). 2 submissions from 2 submitters: Uncertain significance (2). Last evaluated 2024-10-04.

Allele frequency attached by ClinVar (database versions not stated): ExAC 0.00003; 1000 Genomes Project 0.00020; 1000 Genomes Project 30x 0.00031.
gnomAD v4.1: 16 of 1,614,206 alleles (0.00099%); highest among the groups gnomAD compares: African/African-American, 0.0027%; no homozygotes.

Submissions (2):

Ambry Genetics
Classification: Uncertain significance. Last evaluated: 2024-10-04. Review status: criteria provided, single submitter. Criteria: Ambry Variant Classification Scheme 2023. Collection method: clinical testing. Allele origin: germline.

Labcorp Genetics (formerly Invitae), Labcorp
Classification: Uncertain significance. Last evaluated: 2024-08-08. Review status: criteria provided, single submitter. Criteria: Invitae Variant Classification Sherloc (09022015). Collection method: clinical testing. Allele origin: germline.
Comment: This sequence change replaces glycine, which is neutral and non-polar, with serine, which is neutral and polar, at codon 53 of the LZTS1 protein (p.Gly53Ser). This variant is present in population databases (rs146827533, gnomAD 0.007%). This variant has not been reported in the literature in individuals affected with LZTS1-related conditions. An algorithm developed to predict the effect of missense changes on protein structure and function outputs the following: PolyPhen-2: "Benign". The serine amino acid residue is found in multiple mammalian species, which suggests that this missense change does not adversely affect protein function. In summary, the available evidence is currently insufficient to determine the role of this variant in disease. Therefore, it has been classified as a Variant of Uncertain Significance.

NM_021020.5(LZTS1):c.157G>A (p.Gly53Ser)

Gene: LZTS1 (leucine zipper tumor suppressor 1; minus strand). Cytogenetic location: 8p21.3.
Variant type: single nucleotide variant.
Coding change: c.157G>A on transcript NM_021020.5 (MANE Select); coding-DNA position 157, G replaced by A.
Protein change: p.Gly53Ser; replaces glycine 53 with serine.
Molecular consequence: missense variant.
Genome position (GRCh38, 1-based): chr8:20,255,025, C>T on the plus strand (G>A on the coding strand, the complement: LZTS1 is on the minus strand). VCF-style: chr8-20255025-C-T. GRCh37 (hg19) VCF-style: chr8-20112536-C-T.
Other names: c.157G>A (NM_021020.2); c.157G>A, p.Gly53Ser (NM_001362884.2); short protein forms G53S.
Identifiers: ClinVar variation 2970775 (VCV002970775.4), dbSNP rs146827533, ClinGen allele CA4657589.